The following is an entry in ClinVar:

ClinVar aggregate classification (germline): Uncertain significance (1 of 4 stars; one submission).

Conditions:
Aortic aneurysm, familial thoracic 7 (AAT7). Also called: AORTIC DISSECTION, FAMILIAL, WITH OR WITHOUT AORTIC ANEURYSM. Identifiers: MedGen C3151077, MONDO:0013418, OMIM 613780.

Submission:

Labcorp Genetics (formerly Invitae), Labcorp
Classification: Uncertain significance for Aortic aneurysm, familial thoracic 7. Last evaluated: 2020-09-10. Review status: criteria provided, single submitter. Criteria: Invitae Variant Classification Sherloc (09022015). Collection method: clinical testing. Allele origin: germline.
Comment: This variant results in a copy number gain of the genomic region encompassing the full coding sequence of the MYLK gene. The boundaries of this event are unknown as they extend beyond the assayed region for this gene and therefore may encompass additional genes. As the precise location of this event is unknown, it may be in tandem or it may be located elsewhere in the genome. This variant has not been reported in the literature in individuals with MYLK-related conditions. Experimental studies and prediction algorithms are not available or were not evaluated, and the functional significance of this variant is currently unknown. In summary, the available evidence is currently insufficient to determine the role of this variant in disease. Therefore, it has been classified as a Variant of Uncertain Significance.

NC_000003.11:g.(?_123332942)_(123512698_?)dup

Gene: MYLK (myosin light chain kinase; minus strand). Cytogenetic location: 3q21.1.
Variant type: Duplication.
Identifiers: ClinVar variation 1054512 (VCV001054512.1).